The following is an entry in ClinVar:

ClinVar aggregate classification (germline): Uncertain significance. Review status: criteria provided, multiple submitters, no conflicts (2 of 4 stars). 3 submissions from 3 submitters: Uncertain significance (3). Last evaluated 2024-08-10.

Conditions:
Inborn genetic diseases. Identifiers: MedGen C0950123, MeSH D030342.

Allele frequency attached by ClinVar (database versions not stated): gnomAD exomes 0.00001 and 0.00003; ExAC 0.00003; gnomAD 0.00005 and 0.00006; TOPMed 0.00006.
gnomAD v4.1: 29 of 1,613,936 alleles (0.0018%); highest among the groups gnomAD compares: East Asian, 0.02%; no homozygotes.

Submissions (3):

Ambry Genetics
Classification: Uncertain significance for Inborn genetic diseases. Last evaluated: 2024-08-10. Review status: criteria provided, single submitter. Criteria: Ambry Variant Classification Scheme 2023. Collection method: clinical testing. Allele origin: germline.

Labcorp Genetics (formerly Invitae), Labcorp
Classification: Uncertain significance. Last evaluated: 2022-01-27. Review status: criteria provided, single submitter. Criteria: Invitae Variant Classification Sherloc (09022015). Collection method: clinical testing. Allele origin: germline.
Comment: This sequence change replaces arginine, which is basic and polar, with cysteine, which is neutral and slightly polar, at codon 1244 of the SPEG protein (p.Arg1244Cys). This variant is present in population databases (rs770645696, gnomAD 0.02%). This variant has not been reported in the literature in individuals affected with SPEG-related conditions. Algorithms developed to predict the effect of missense changes on protein structure and function are either unavailable or do not agree on the potential impact of this missense change (SIFT: "Deleterious"; PolyPhen-2: "Probably Damaging"; Align-GVGD: "Class C0"). In summary, the available evidence is currently insufficient to determine the role of this variant in disease. Therefore, it has been classified as a Variant of Uncertain Significance.

GeneDx
Classification: Uncertain significance. Last evaluated: 2022-01-04. Review status: criteria provided, single submitter. Criteria: GeneDx Variant Classification Process June 2021. Collection method: clinical testing. Allele origin: germline. Affected: yes.
Comment: In silico analysis supports that this missense variant has a deleterious effect on protein structure/function; Has not been previously published as pathogenic or benign to our knowledge

NM_005876.5(SPEG):c.3730C>T (p.Arg1244Cys)

Gene: SPEG (striated muscle enriched protein kinase; plus strand). Cytogenetic location: 2q35.
Variant type: single nucleotide variant.
Coding change: c.3730C>T on transcript NM_005876.5 (MANE Select); coding-DNA position 3730, C replaced by T.
Protein change: p.Arg1244Cys; replaces arginine 1244 with cysteine.
Molecular consequence: missense variant.
Genome position (GRCh38, 1-based): chr2:219,471,882, C>T. VCF-style: chr2-219471882-C-T. GRCh37 (hg19) VCF-style: chr2-220336604-C-T.
Other names: short protein forms R1244C.
Identifiers: ClinVar variation 1693323 (VCV001693323.5), dbSNP rs770645696, ClinGen allele CA2126271.
Genomic context (GRCh38, chr2:219,471,882, plus strand): 5'-GTATCCTCCGGGCTCAGGCCCAGTGTCACTGTCCCTCCCCTCCCAGACAGGGATGTCCAT[C>T]GCTTGGTGTTCCCTGCCGTGGGGCCTCAGCACGCCGGTGTCTACAAGAGCGTCATTGCCA-3'
Protein context (NP_005867.3, residues 1234-1254): RRMTQYRDVH[Arg1244Cys]LVFPAVGPQH